The following is an entry in ClinVar:

NM_000059.4(BRCA2):c.2654A>G (p.Asp885Gly)

Gene: BRCA2 (BRCA2 DNA repair associated; plus strand). Cytogenetic location: 13q13.1.
Variant type: single nucleotide variant.
Coding change: c.2654A>G on transcript NM_000059.4 (MANE Select); coding-DNA position 2654, A replaced by G.
Protein change: p.Asp885Gly; replaces aspartic acid 885 with glycine.
Molecular consequence: missense variant. On other transcripts: non-coding transcript variant (1), intron variant (2).
Genome position (GRCh38, 1-based): chr13:32,337,009, A>G. VCF-style: chr13-32337009-A-G. GRCh37 (hg19) VCF-style: chr13-32911146-A-G.
Other names: D885G; 2882A>G; c.2654A>G, p.Asp885Gly (NM_001406719.1, NM_001406720.1); c.1909+3622A>G (NM_001406721.1); c.424+5979A>G (NM_001406722.1).
Identifiers: ClinVar variation 91781 (VCV000091781.4), dbSNP rs398122750, ClinGen allele CA015947.

ClinVar aggregate classification (germline): Uncertain significance. Review status: criteria provided, multiple submitters, no conflicts (2 of 4 stars). 3 submissions from 3 submitters: Uncertain significance (2). 1 of the submissions does not count toward it. Last evaluated 2025-12-02.

Conditions:
Hereditary cancer-predisposing syndrome. Also called: Tumor predisposition; Hereditary Cancer Syndrome; Neoplastic Syndromes, Hereditary; Hereditary neoplastic syndrome. Identifiers: Orphanet 140162, MedGen C0027672, MeSH D009386, MONDO:0015356.
Hereditary breast ovarian cancer syndrome. Also called: Breast and ovarian cancer; Hereditary breast and ovarian cancer; Hereditary breast and ovarian cancer syndrome; BRCA1- and BRCA2-Associated Hereditary Breast and Ovarian Cancer; Hereditary breast and ovarian cancer syndrome (HBOC); Hereditary breast and/or ovarian cancer syndrome. Identifiers: Orphanet 145, MedGen C0677776, MeSH D061325, MONDO:0003582. Disease mechanism: loss of function.
Breast-ovarian cancer, familial, susceptibility to, 2 (BROVCA2). Also called: BRCA2 Hereditary Breast and Ovarian Cancer. Identifiers: Orphanet 145, MedGen C2675520, MONDO:0012933, OMIM 612555. Disease mechanism: loss of function.

Submissions (3):

Labcorp Genetics (formerly Invitae), Labcorp
Classification: Uncertain significance for Hereditary breast ovarian cancer syndrome. Last evaluated: 2025-12-02. Review status: criteria provided, single submitter. Criteria: Invitae Variant Classification Sherloc (09022015). Collection method: clinical testing. Allele origin: germline.
Comment: This sequence change replaces aspartic acid, which is acidic and polar, with glycine, which is neutral and non-polar, at codon 885 of the BRCA2 protein (p.Asp885Gly). This variant is not present in population databases (gnomAD no frequency). This variant has not been reported in the literature in individuals affected with BRCA2-related conditions. ClinVar contains an entry for this variant (Variation ID: 91781). Invitae Evidence Modeling of protein sequence and biophysical properties (such as structural, functional, and spatial information, amino acid conservation, physicochemical variation, residue mobility, and thermodynamic stability) indicates that this missense variant is not expected to disrupt BRCA2 protein function with a negative predictive value of 95%. In summary, the available evidence is currently insufficient to determine the role of this variant in disease. Therefore, it has been classified as a Variant of Uncertain Significance.

Ambry Genetics
Classification: Uncertain significance for Hereditary cancer-predisposing syndrome. Last evaluated: 2024-06-04. Review status: criteria provided, single submitter. Criteria: Ambry Variant Classification Scheme 2023. Collection method: clinical testing. Allele origin: germline.
Comment: The p.D885G variant (also known as c.2654A>G), located in coding exon 10 of the BRCA2 gene, results from an A to G substitution at nucleotide position 2654. The aspartic acid at codon 885 is replaced by glycine, an amino acid with similar properties. This amino acid position is conserved. In addition, this alteration is predicted to be tolerated by in silico analysis. Based on the available evidence, the clinical significance of this variant remains unclear.

Sharing Clinical Reports Project (SCRP)
Classification: Uncertain significance for Breast-ovarian cancer, familial 2. Last evaluated: 2009-05-01. Review status: no assertion criteria provided. Collection method: clinical testing. Allele origin: germline. Not counted in ClinVar's aggregate classification.